The following is an entry in ClinVar:

NM_000780.4(CYP7A1):c.820G>A (p.Glu274Lys)

Gene: CYP7A1 (cytochrome P450 family 7 subfamily A member 1; minus strand). Cytogenetic location: 8q12.1.
Variant type: single nucleotide variant.
Coding change: c.820G>A on transcript NM_000780.4 (MANE Select); coding-DNA position 820, G replaced by A.
Protein change: p.Glu274Lys; replaces glutamic acid 274 with lysine.
Molecular consequence: missense variant.
Genome position (GRCh38, 1-based): chr8:58,496,692, C>T on the plus strand (G>A on the coding strand, the complement: CYP7A1 is on the minus strand). VCF-style: chr8-58496692-C-T. GRCh37 (hg19) VCF-style: chr8-59409251-C-T.
Other names: short protein forms E274K.
Identifiers: ClinVar variation 3347881 (VCV003347881.1).
Genomic context (GRCh38, chr8:58,496,692, plus strand): 5'-TCGCTGGAATGGTGTTTGCTTGCGATGCCCAGAGGACCACGAGGTGTGTCTTGGCCTTCT[C>T]CAGATCATCAAAGGTGGACAAAGTGTCATTGAGAAACATGCGCAGGCTGATCAGTTCTGA-3'
Protein context (NP_000771.2, residues 264-284): NDTLSTFDDL[Glu274Lys]KAKTHLVVLW

ClinVar aggregate classification (germline): Uncertain significance (0 of 4 stars; one submission).

Conditions:
CYP7A1-related disorder. Also called: CYP7A1-related condition.

Submission:

PreventionGenetics, part of Exact Sciences
Classification: Uncertain significance for CYP7A1-related condition. Last evaluated: 2024-05-02. Review status: no assertion criteria provided. Collection method: clinical testing. Allele origin: germline.
Comment: The CYP7A1 c.820G>A variant is predicted to result in the amino acid substitution p.Glu274Lys. To our knowledge, this variant has not been reported in the literature or in a large population database, indicating this variant is rare. At this time, the clinical significance of this variant is uncertain due to the absence of conclusive functional and genetic evidence.